The following is an entry in ClinVar:

NM_000535.7(PMS2):c.1934A>G (p.Tyr645Cys)

Gene: PMS2 (PMS1 homolog 2, mismatch repair system component; minus strand). Cytogenetic location: 7p22.1.
Variant type: single nucleotide variant.
Coding change: c.1934A>G on transcript NM_000535.7 (MANE Select); coding-DNA position 1934, A replaced by G.
Protein change: p.Tyr645Cys; replaces tyrosine 645 with cysteine.
Molecular consequence: missense variant. On other transcripts: non-coding transcript variant (1).
Genome position (GRCh38, 1-based): chr7:5,986,831, T>C on the plus strand (A>G on the coding strand, the complement: PMS2 is on the minus strand). VCF-style: chr7-5986831-T-C. GRCh37 (hg19) VCF-style: chr7-6026462-T-C.
Other names: c.1529A>G, p.Tyr510Cys (NM_001322003.2, NM_001322004.2, NM_001322005.2 and 1 more transcripts); c.1778A>G, p.Tyr593Cys (NM_001322006.2); c.1616A>G, p.Tyr539Cys (NM_001322007.2, NM_001322008.2); c.1373A>G, p.Tyr458Cys (NM_001322010.2); c.1001A>G, p.Tyr334Cys (NM_001322011.2, NM_001322012.2); c.1361A>G, p.Tyr454Cys (NM_001322013.2); c.1934A>G, p.Tyr645Cys (NM_001322014.2); c.1625A>G, p.Tyr542Cys (NM_001322015.2); short protein forms Y645C, Y334C, Y454C, Y542C, Y510C, Y539C, Y458C, Y593C.
Identifiers: ClinVar variation 186598 (VCV000186598.26), dbSNP rs786203075, ClinGen allele CA010477.

ClinVar aggregate classification (germline): Uncertain significance. Review status: criteria provided, multiple submitters, no conflicts (2 of 4 stars). 5 submissions from 5 submitters: Uncertain significance (5). Last evaluated 2025-10-25.

Conditions:
Hereditary nonpolyposis colorectal neoplasms. Identifiers: MedGen C0009405, MeSH D003123.
Hereditary cancer-predisposing syndrome. Also called: Neoplastic Syndromes, Hereditary; Tumor predisposition; Hereditary Cancer Syndrome; Hereditary neoplastic syndrome. Identifiers: Orphanet 140162, MedGen C0027672, MeSH D009386, MONDO:0015356.
Lynch syndrome. Identifiers: Orphanet 144, MedGen C4552100, MONDO:0005835. Disease mechanism: loss of function.
Lynch syndrome 4 (LYNCH4). Also called: Colorectal cancer, hereditary nonpolyposis, type 4; Hereditary non-polyposis colorectal cancer, type 4. Identifiers: Orphanet 144, MedGen C1838333, MONDO:0013699, OMIM 614337. Disease mechanism: loss of function.

Allele frequency attached by ClinVar (database versions not stated): gnomAD exomes below 0.00001.
gnomAD v4.1: 2 of 1,613,666 alleles (0.00012%); highest among the groups gnomAD compares: Non-Finnish European, 0.00017%; no homozygotes.

Submissions (5):

Labcorp Genetics (formerly Invitae), Labcorp
Classification: Uncertain significance for Hereditary nonpolyposis colorectal neoplasms. Last evaluated: 2025-10-25. Review status: criteria provided, single submitter. Criteria: Invitae Variant Classification Sherloc (09022015). Collection method: clinical testing. Allele origin: germline.
Comment: This sequence change replaces tyrosine, which is neutral and polar, with cysteine, which is neutral and slightly polar, at codon 645 of the PMS2 protein (p.Tyr645Cys). This variant is not present in population databases (gnomAD no frequency). This variant has not been reported in the literature in individuals affected with PMS2-related conditions. ClinVar contains an entry for this variant (Variation ID: 186598). Invitae Evidence Modeling incorporating data from in vitro experimental studies (internal data) indicates that this missense variant is not expected to disrupt PMS2 function with a negative predictive value of 95%. In summary, the available evidence is currently insufficient to determine the role of this variant in disease. Therefore, it has been classified as a Variant of Uncertain Significance.

Color Diagnostics, LLC DBA Color Health
Classification: Uncertain significance for Hereditary cancer-predisposing syndrome. Last evaluated: 2025-07-03. Review status: criteria provided, single submitter. Criteria: ACMG Guidelines, 2015. Collection method: clinical testing. Allele origin: germline.
Comment: This missense variant replaces tyrosine with cysteine at codon 645 of the PMS2 protein. Computational prediction suggests that this variant may not impact protein structure and function). To our knowledge, functional studies have not been reported for this variant. This variant has not been reported in individuals affected with hereditary cancer in the literature. This variant has not been identified in the general population by the Genome Aggregation Database (gnomAD). The available evidence is insufficient to determine the role of this variant in disease conclusively. Therefore, this variant is classified as a Variant of Uncertain Significance.

Ambry Genetics
Classification: Uncertain significance for Hereditary cancer-predisposing syndrome. Last evaluated: 2025-04-02. Review status: criteria provided, single submitter. Criteria: Ambry Variant Classification Scheme 2023. Collection method: clinical testing. Allele origin: germline.
Comment: The p.Y645C variant (also known as c.1934A>G), located in coding exon 11 of the PMS2 gene, results from an A to G substitution at nucleotide position 1934. The tyrosine at codon 645 is replaced by cysteine, an amino acid with highly dissimilar properties. This amino acid position is highly conserved in available vertebrate species. In addition, this alteration is predicted to be tolerated by in silico analysis. Since supporting evidence is limited at this time, the clinical significance of this alteration remains unclear.

Baylor Genetics
Classification: Uncertain significance for Lynch syndrome 4. Last evaluated: 2024-03-05. Review status: criteria provided, single submitter. Criteria: ACMG Guidelines, 2015. Collection method: clinical testing. Allele origin: unknown.

All of Us Research Program, National Institutes of Health
Classification: Uncertain significance for Lynch syndrome. Last evaluated: 2023-04-03. Review status: criteria provided, single submitter. Criteria: ACMG Guidelines, 2015. Collection method: clinical testing. Allele origin: germline. Inheritance: Autosomal dominant inheritance. Observed: 1 variant allele, 1 heterozygote.
Comment: This missense variant replaces tyrosine with cysteine at codon 645 of the PMS2 protein. Computational prediction suggests that this variant may not impact protein structure and function (internally defined REVEL score threshold <= 0.5, PMID: 27666373). Splice site prediction tools suggest that this variant may not impact RNA splicing. To our knowledge, functional studies have not been performed for this variant. This variant has not been reported in individuals affected with hereditary cancer in the literature. This variant has not been identified in the general population by the Genome Aggregation Database (gnomAD). The available evidence is insufficient to determine the role of this variant in disease conclusively. Therefore, this variant is classified as a Variant of Uncertain Significance.

This study involves interpretation of variants in research participants for the purpose of population health screening. Participant phenotype was not available at the time of variant classification. Additional details can be found in publication PMID: 35346344, PMCID: PMC8962531